The following is an entry in ClinVar:

ClinVar aggregate classification (germline): Uncertain significance (1 of 4 stars; one submission).

gnomAD v4.1: 20 of 1,614,184 alleles (0.0012%); highest among the groups gnomAD compares: South Asian, 0.02%; no homozygotes.

Submission:

GeneDx
Classification: Uncertain significance. Last evaluated: 2021-05-25. Review status: criteria provided, single submitter. Criteria: GeneDx Variant Classification Process June 2021. Collection method: clinical testing. Allele origin: germline. Affected: yes.
Comment: In silico analysis supports that this missense variant has a deleterious effect on protein structure/function; Has not been previously published as pathogenic or benign to our knowledge

NM_018451.5(CPAP):c.3682C>G (p.His1228Asp)

Genes: CPAP (centrosome assembly and centriole elongation protein; minus strand), RNF17 (ring finger protein 17; plus strand). Cytogenetic location: 13q12.12.
Variant type: single nucleotide variant.
Coding change: c.3682C>G on transcript NM_018451.5 (MANE Select); coding-DNA position 3682, C replaced by G.
Protein change: p.His1228Asp; replaces histidine 1228 with aspartic acid.
Molecular consequence: missense variant. On other transcripts: non-coding transcript variant (2).
Genome position (GRCh38, 1-based): chr13:24,884,182, G>C on the plus strand (C>G on the coding strand, the complement: CPAP is on the minus strand). VCF-style: chr13-24884182-G-C. GRCh37 (hg19) VCF-style: chr13-25458320-G-C.
Other names: short protein forms H1228D.
Identifiers: ClinVar variation 1318864 (VCV001318864.2), dbSNP rs372725414, ClinGen allele CA6919190.